The following is an entry in ClinVar:

ClinVar aggregate classification (germline): Uncertain significance (1 of 4 stars; one submission).

Conditions:
Hereditary cancer-predisposing syndrome. Also called: Tumor predisposition; Hereditary neoplastic syndrome; Hereditary Cancer Syndrome; Neoplastic Syndromes, Hereditary. Identifiers: Orphanet 140162, MedGen C0027672, MeSH D009386, MONDO:0015356.

Submission:

Ambry Genetics
Classification: Uncertain significance for Hereditary cancer-predisposing syndrome. Last evaluated: 2024-03-13. Review status: criteria provided, single submitter. Criteria: Ambry Variant Classification Scheme 2023. Collection method: clinical testing. Allele origin: germline.
Comment: The p.D364V variant (also known as c.1091A>T), located in coding exon 10 of the PRKAR1A gene, results from an A to T substitution at nucleotide position 1091. The aspartic acid at codon 364 is replaced by valine, an amino acid with highly dissimilar properties. This amino acid position is conserved. In addition, this alteration is predicted to be deleterious by in silico analysis. Based on the available evidence, the clinical significance of this alteration remains unclear.

NM_002734.5(PRKAR1A):c.1091A>T (p.Asp364Val)

Gene: PRKAR1A (protein kinase cAMP-dependent type I regulatory subunit alpha; plus strand). Cytogenetic location: 17q24.2.
Variant type: single nucleotide variant.
Coding change: c.1091A>T on transcript NM_002734.5 (MANE Select); coding-DNA position 1091, A replaced by T.
Protein change: p.Asp364Val; replaces aspartic acid 364 with valine.
Molecular consequence: missense variant. On other transcripts: intron variant (1).
Genome position (GRCh38, 1-based): chr17:68,530,394, A>T. VCF-style: chr17-68530394-A-T. GRCh37 (hg19) VCF-style: chr17-66526535-A-T.
Other names: c.1091A>T, p.Asp364Val (NM_001276289.2, NM_001278433.2, NM_001369389.1 and 3 more transcripts); c.973+393A>T (NM_001276290.1); short protein forms D364V.
Identifiers: ClinVar variation 3222758 (VCV003222758.1), dbSNP rs2509447174, ClinGen allele CA400754825.